The following is an entry in ClinVar:

ClinVar aggregate classification (germline): Conflicting classifications of pathogenicity. Review status: criteria provided, conflicting classifications (1 of 4 stars). 2 submissions from 2 submitters: Uncertain significance (1); Likely benign (1). Last evaluated 2025-01-22.

Conditions:
Inborn genetic diseases. Identifiers: MedGen C0950123, MeSH D030342.
KBG syndrome (KBGS). Also called: ANKRD11-Related KBG Syndrome. Identifiers: Orphanet 2332, MedGen C0220687, MONDO:0007846, OMIM 148050.

Allele frequency attached by ClinVar (database versions not stated): gnomAD 0.00005; ExAC 0.00002; TOPMed 0.00005.
gnomAD v4.1: 70 of 1,610,026 alleles (0.0043%); highest among the groups gnomAD compares: Non-Finnish European, 0.0054%; no homozygotes.

Submissions (2):

Labcorp Genetics (formerly Invitae), Labcorp
Classification: Uncertain significance for KBG syndrome. Last evaluated: 2025-01-22. Review status: criteria provided, single submitter. Criteria: Invitae Variant Classification Sherloc (09022015). Collection method: clinical testing. Allele origin: germline.
Comment: This sequence change replaces leucine, which is neutral and non-polar, with phenylalanine, which is neutral and non-polar, at codon 2203 of the ANKRD11 protein (p.Leu2203Phe). This variant is present in population databases (rs776150975, gnomAD 0.007%). This variant has not been reported in the literature in individuals affected with ANKRD11-related conditions. ClinVar contains an entry for this variant (Variation ID: 2717462). Invitae Evidence Modeling of protein sequence and biophysical properties (such as structural, functional, and spatial information, amino acid conservation, physicochemical variation, residue mobility, and thermodynamic stability) indicates that this missense variant is not expected to disrupt ANKRD11 protein function with a negative predictive value of 95%. In summary, the available evidence is currently insufficient to determine the role of this variant in disease. Therefore, it has been classified as a Variant of Uncertain Significance.

Ambry Genetics
Classification: Likely benign for Inborn genetic diseases. Last evaluated: 2024-11-10. Review status: criteria provided, single submitter. Criteria: Ambry Variant Classification Scheme 2023. Collection method: clinical testing. Allele origin: germline.

NM_013275.6(ANKRD11):c.6607C>T (p.Leu2203Phe)

Gene: ANKRD11 (ankyrin repeat domain 11; minus strand). Cytogenetic location: 16q24.3.
Variant type: single nucleotide variant.
Coding change: c.6607C>T on transcript NM_013275.6 (MANE Select); coding-DNA position 6607, C replaced by T.
Protein change: p.Leu2203Phe; replaces leucine 2203 with phenylalanine.
Molecular consequence: missense variant.
Genome position (GRCh38, 1-based): chr16:89,279,935, G>A on the plus strand (C>T on the coding strand, the complement: ANKRD11 is on the minus strand). VCF-style: chr16-89279935-G-A. GRCh37 (hg19) VCF-style: chr16-89346343-G-A.
Other names: c.6607C>T, p.Leu2203Phe (NM_001256182.2, NM_001256183.2); c.6607C>T (NM_013275.4); short protein forms L2203F.
Identifiers: ClinVar variation 2717462 (VCV002717462.3), dbSNP rs776150975, ClinGen allele CA8241385.